The following is an entry in ClinVar:

NM_001972.4(ELANE):c.485A>C (p.Asn162Thr)

Gene: ELANE (elastase, neutrophil expressed; plus strand). Cytogenetic location: 19p13.3.
Variant type: single nucleotide variant.
Coding change: c.485A>C on transcript NM_001972.4 (MANE Select); coding-DNA position 485, A replaced by C.
Protein change: p.Asn162Thr; replaces asparagine 162 with threonine.
Molecular consequence: missense variant.
Genome position (GRCh38, 1-based): chr19:855,682, A>C. VCF-style: chr19-855682-A-C. GRCh37 (hg19) VCF-style: chr19-855682-A-C.
Other names: short protein forms N162T.
Identifiers: ClinVar variation 3844281 (VCV003844281.1).

ClinVar aggregate classification (germline): Uncertain significance (1 of 4 stars; one submission).

Conditions:
Inborn genetic diseases. Identifiers: MedGen C0950123, MeSH D030342.

Submission:

Ambry Genetics
Classification: Uncertain significance for Inborn genetic diseases. Last evaluated: 2024-12-26. Review status: criteria provided, single submitter. Criteria: Ambry Variant Classification Scheme 2023. Collection method: clinical testing. Allele origin: germline.
Comment: The p.N162T variant (also known as c.485A>C), located in coding exon 4 of the ELANE gene, results from an A to C substitution at nucleotide position 485. The asparagine at codon 162 is replaced by threonine, an amino acid with similar properties. This amino acid position is conserved. In addition, the in silico prediction for this alteration is inconclusive. Based on the available evidence, the clinical significance of this variant remains unclear.